The following is an entry in ClinVar:

NM_000179.3(MSH6):c.2778_2784del (p.Ile927fs)

Gene: MSH6 (mutS homolog 6; plus strand). Cytogenetic location: 2p16.3.
Variant type: Deletion.
Coding change: c.2778_2784del on transcript NM_000179.3 (MANE Select); coding-DNA positions 2778 to 2784, 7 bases deleted (TATTACT; older notation c.2778_2784delTATTACT).
Protein change: p.Ile927fs; shifts the reading frame from isoleucine 927.
Molecular consequence: frameshift variant.
Genome position (GRCh38, 1-based): chr2:47,800,761-47,800,767, TATTACT deleted; deleting any 7 consecutive bases within chr2:47,800,758-47,800,767 gives the same sequence; the c. name uses the placement nearest the transcript's 3' end. VCF-style (leftmost placement, unchanged base first): chr2-47800757-GACTTATT-G. GRCh37 (hg19) VCF-style: chr2-48027896-GACTTATT-G.
Other names: c.2388_2394del, p.Ile797fs (NM_001281492.2); c.1872_1878del, p.Ile625fs (NM_001281493.2, NM_001281494.2); c.2874_2880delTATTACT, p.Ile959Profs (NM_001406795.1, NM_001406802.1); c.2778_2784delTATTACT, p.Ile927Profs (NM_001406796.1, NM_001406798.1, NM_001406800.1 and 2 more transcripts); c.2481_2487delTATTACT, p.Ile828Profs (NM_001406797.1, NM_001406801.1, NM_001406805.1 and 10 more transcripts); c.2253_2259delTATTACT, p.Ile752Profs (NM_001406799.1, NM_001406806.1, NM_001406807.1); c.2700_2706delTATTACT, p.Ile901Profs (NM_001406804.1); c.1872_1878delTATTACT, p.Ile625Profs (NM_001406811.1, NM_001406812.1, NM_001406814.1 and 4 more transcripts); and 3 more; short protein forms I625fs, I797fs, I927fs.
Identifiers: ClinVar variation 2053718 (VCV002053718.4), dbSNP rs2530692579, ClinGen allele CA2580068063.

ClinVar aggregate classification (germline): Pathogenic (1 of 4 stars; one submission).

Conditions:
Hereditary nonpolyposis colorectal neoplasms. Identifiers: MedGen C0009405, MeSH D003123.

Submission:

Labcorp Genetics (formerly Invitae), Labcorp
Classification: Pathogenic for Hereditary nonpolyposis colorectal neoplasms. Last evaluated: 2023-08-10. Review status: criteria provided, single submitter. Criteria: Invitae Variant Classification Sherloc (09022015). Collection method: clinical testing. Allele origin: germline.
Comment: This sequence change creates a premature translational stop signal (p.Ile927Profs*16) in the MSH6 gene. It is expected to result in an absent or disrupted protein product. Loss-of-function variants in MSH6 are known to be pathogenic (PMID: 18269114, 24362816). This variant is not present in population databases (gnomAD no frequency). This variant has not been reported in the literature in individuals affected with MSH6-related conditions. ClinVar contains an entry for this variant (Variation ID: 2053718). For these reasons, this variant has been classified as Pathogenic.

Literature cited by the submitters: PubMed 18269114; PubMed 24362816.